The following is an entry in ClinVar:

NM_001042631.3(SDHAF1):c.143T>A (p.Leu48Gln)

Gene: SDHAF1 (succinate dehydrogenase complex assembly factor 1; plus strand). Cytogenetic location: 19q13.12.
Variant type: single nucleotide variant.
Coding change: c.143T>A on transcript NM_001042631.3 (MANE Select); coding-DNA position 143, T replaced by A.
Protein change: p.Leu48Gln; replaces leucine 48 with glutamine.
Molecular consequence: missense variant.
Genome position (GRCh38, 1-based): chr19:35,995,417, T>A. VCF-style: chr19-35995417-T-A. GRCh37 (hg19) VCF-style: chr19-36486319-T-A.
Other names: p.L48Q:CTG>CAG; short protein forms L48Q.
Identifiers: ClinVar variation 215135 (VCV000215135.8), dbSNP rs572004966, ClinGen allele CA323238.

ClinVar aggregate classification (germline): Uncertain significance. Review status: criteria provided, multiple submitters, no conflicts (2 of 4 stars). 3 submissions from 3 submitters: Uncertain significance (3). Last evaluated 2025-08-21.

Conditions:
Inborn genetic diseases. Identifiers: MedGen C0950123, MeSH D030342.

Allele frequency attached by ClinVar (database versions not stated): gnomAD 0.00001 and 0.00003; gnomAD exomes 0.00001 and 0.00004; TOPMed 0.00006; ExAC 0.00007; 1000 Genomes Project 30x 0.00031; 1000 Genomes Project 0.00060.
gnomAD v4.1: 21 of 1,569,846 alleles (0.0013%); highest among the groups gnomAD compares: Admixed American, 0.021%; no homozygotes.

Submissions (3):

Ambry Genetics
Classification: Uncertain significance for Inborn genetic diseases. Last evaluated: 2025-08-21. Review status: criteria provided, single submitter. Criteria: Ambry Variant Classification Scheme 2023. Collection method: clinical testing. Allele origin: germline.

Labcorp Genetics (formerly Invitae), Labcorp
Classification: Uncertain significance. Last evaluated: 2024-10-26. Review status: criteria provided, single submitter. Criteria: Invitae Variant Classification Sherloc (09022015). Collection method: clinical testing. Allele origin: germline.
Comment: This sequence change replaces leucine, which is neutral and non-polar, with glutamine, which is neutral and polar, at codon 48 of the SDHAF1 protein (p.Leu48Gln). This variant is present in population databases (rs572004966, gnomAD 0.02%). This variant has not been reported in the literature in individuals affected with SDHAF1-related conditions. ClinVar contains an entry for this variant (Variation ID: 215135). An algorithm developed to predict the effect of missense changes on protein structure and function outputs the following: PolyPhen-2: "Possibly Damaging". The glutamine amino acid residue is found in multiple mammalian species, which suggests that this missense change does not adversely affect protein function. In summary, the available evidence is currently insufficient to determine the role of this variant in disease. Therefore, it has been classified as a Variant of Uncertain Significance.

GeneDx
Classification: Uncertain significance. Last evaluated: 2014-06-24. Review status: criteria provided, single submitter. Criteria: GeneDx Variant Classification (06012015). Collection method: clinical testing. Allele origin: germline. Affected: yes.
Comment: p.Leu48Gln (CTG>CAG): c.143 T>A in exon 1 of the SDHAF1 gene (NM_001042631.2) The L48Q variant has not been published as a mutation, nor has it been reported as a benign polymorphism to our knowledge. The L48Q variant is a non-conservative amino acid substitution, which is likely to impact secondary protein structure as these residues differ in polarity, charge, size and/or other properties. This substitution occurs at a position that is conserved in mammals. In silico analysis is inconsistent in its predictions as to whether or not the variant is damaging to the protein structure/function. Therefore, based on the currently available information, it is unclear whether this variant is a pathogenic mutation or a rare benign variant. The variant is found in MITONUC-MITOP panel(s).